The following is an entry in ClinVar:

ClinVar aggregate classification (germline): Uncertain significance (1 of 4 stars; one submission).

gnomAD v4.1: 15 of 1,614,170 alleles (0.00093%); highest among the groups gnomAD compares: Non-Finnish European, 0.0013%; no homozygotes.

Submission:

Labcorp Genetics (formerly Invitae), Labcorp
Classification: Uncertain significance. Last evaluated: 2023-04-18. Review status: criteria provided, single submitter. Criteria: Invitae Variant Classification Sherloc (09022015). Collection method: clinical testing. Allele origin: germline.
Comment: In summary, the available evidence is currently insufficient to determine the role of this variant in disease. Therefore, it has been classified as a Variant of Uncertain Significance. This sequence change replaces threonine, which is neutral and polar, with proline, which is neutral and non-polar, at codon 100 of the GRHL2 protein (p.Thr100Pro). This variant is not present in population databases (gnomAD no frequency). This variant has not been reported in the literature in individuals affected with GRHL2-related conditions. Algorithms developed to predict the effect of missense changes on protein structure and function output the following: SIFT: "Not Available"; PolyPhen-2: "Benign"; Align-GVGD: "Not Available". The proline amino acid residue is found in multiple mammalian species, which suggests that this missense change does not adversely affect protein function.

NM_024915.4(GRHL2):c.298A>C (p.Thr100Pro)

Gene: GRHL2 (grainyhead like transcription factor 2; plus strand). Cytogenetic location: 8q22.3.
Variant type: single nucleotide variant.
Coding change: c.298A>C on transcript NM_024915.4 (MANE Select); coding-DNA position 298, A replaced by C.
Protein change: p.Thr100Pro; replaces threonine 100 with proline.
Molecular consequence: missense variant.
Genome position (GRCh38, 1-based): chr8:101,558,432, A>C. VCF-style: chr8-101558432-A-C. GRCh37 (hg19) VCF-style: chr8-102570660-A-C.
Other names: c.250A>C, p.Thr84Pro (NM_001330593.2); short protein forms T100P, T84P.
Identifiers: ClinVar variation 2995655 (VCV002995655.3), dbSNP rs781762121, ClinGen allele CA371643659.